The following is an entry in ClinVar:

NM_005428.4(VAV1):c.2182C>T (p.Arg728Trp)

Gene: VAV1 (vav guanine nucleotide exchange factor 1; plus strand). Cytogenetic location: 19p13.3.
Variant type: single nucleotide variant.
Coding change: c.2182C>T on transcript NM_005428.4 (MANE Select); coding-DNA position 2182, C replaced by T.
Protein change: p.Arg728Trp; replaces arginine 728 with tryptophan.
Molecular consequence: missense variant.
Genome position (GRCh38, 1-based): chr19:6,850,722, C>T. VCF-style: chr19-6850722-C-T. GRCh37 (hg19) VCF-style: chr19-6850733-C-T.
Other names: c.2116C>T, p.Arg706Trp (NM_001258206.2); c.2086C>T, p.Arg696Trp (NM_001258207.2); short protein forms R696W, R706W, R728W.
Identifiers: ClinVar variation 2281813 (VCV002281813.5), dbSNP rs1258040454, ClinGen allele CA403635993.

ClinVar aggregate classification (germline): Uncertain significance. Review status: criteria provided, multiple submitters, no conflicts (2 of 4 stars). 2 submissions from 2 submitters: Uncertain significance (2). Last evaluated 2025-07-10.

Allele frequency attached by ClinVar (database versions not stated): gnomAD exomes 0.00001.
gnomAD v4.1: 8 of 1,614,010 alleles (0.0005%); highest among the groups gnomAD compares: South Asian, 0.0011%; no homozygotes.

Submissions (2):

Labcorp Genetics (formerly Invitae), Labcorp
Classification: Uncertain significance. Last evaluated: 2025-07-10. Review status: criteria provided, single submitter. Criteria: Invitae Variant Classification Sherloc (09022015). Collection method: clinical testing. Allele origin: germline.
Comment: This sequence change replaces arginine, which is basic and polar, with tryptophan, which is neutral and slightly polar, at codon 728 of the VAV1 protein (p.Arg728Trp). This variant is present in population databases (no rsID available, gnomAD 0.004%). This variant has not been reported in the literature in individuals affected with VAV1-related conditions. ClinVar contains an entry for this variant (Variation ID: 2281813). An algorithm developed to predict the effect of missense changes on protein structure and function (PolyPhen-2) suggests that this variant is likely to be disruptive. In summary, the available evidence is currently insufficient to determine the role of this variant in disease. Therefore, it has been classified as a Variant of Uncertain Significance.

Ambry Genetics
Classification: Uncertain significance. Last evaluated: 2022-04-07. Review status: criteria provided, single submitter. Criteria: Ambry Variant Classification Scheme 2023. Collection method: clinical testing. Allele origin: germline.